The following is an entry in ClinVar:

NM_005476.7(GNE):c.1681T>G (p.Ser561Ala)

Gene: GNE (glucosamine (UDP-N-acetyl)-2-epimerase/N-acetylmannosamine kinase; minus strand). Cytogenetic location: 9p13.3.
Variant type: single nucleotide variant.
Coding change: c.1681T>G on transcript NM_005476.7 (MANE Select); coding-DNA position 1681, T replaced by G.
Protein change: p.Ser561Ala; replaces serine 561 with alanine.
Molecular consequence: missense variant.
Genome position (GRCh38, 1-based): chr9:36,219,973, A>C on the plus strand (T>G on the coding strand, the complement: GNE is on the minus strand). VCF-style: chr9-36219973-A-C. GRCh37 (hg19) VCF-style: chr9-36219970-A-C.
Other names: p.Ser592Ala; c.1459T>G, p.Ser487Ala (NM_001190383.3); c.1351T>G, p.Ser451Ala (NM_001190384.3); c.1504T>G, p.Ser502Ala (NM_001190388.2, NM_001374798.1); c.1774T>G, p.Ser592Ala (NM_001128227.3); c.1528T>G, p.Ser510Ala (NM_001374797.1); short protein forms S592A, S487A, S561A, S451A, S502A, S510A.
Identifiers: ClinVar variation 951729 (VCV000951729.7), dbSNP rs776760528, ClinGen allele CA5056437.
Genomic context (GRCh38, chr9:36,219,973, plus strand): 5'-AGGAACAATCAGGCCCATCCAGAGACACAACAAGGTGGCCCAGTTCTGCAGCACAGAAGG[A>C]GCTTCCGTGGATCAATTCATGCTGATGGATAATTCCACCACCGATTCCTACAGCGAGGGA-3'
Protein context (NP_005467.1, residues 551-571): IHQHELIHGS[Ser561Ala]FCAAELGHLV

ClinVar aggregate classification (germline): Uncertain significance. Review status: criteria provided, multiple submitters, no conflicts (2 of 4 stars). 3 submissions from 3 submitters: Uncertain significance (2). 1 of the submissions does not count toward it. Last evaluated 2024-04-30.

Conditions:
GNE myopathy (NM). Also called: NONAKA DISTAL MYOPATHY; MYOPATHY, DISTAL, WITH OR WITHOUT RIMMED VACUOLES; INCLUSION BODY MYOPATHY, HEREDITARY, AUTOSOMAL RECESSIVE; INCLUSION BODY MYOPATHY 2, AUTOSOMAL RECESSIVE; IBM 2; Inclusion body myopathy autosomal recessive. Identifiers: Orphanet 602, MedGen C1853926, MONDO:0011603, OMIM 605820.
Sialuria. Also called: SIALURIA, FRENCH TYPE; Sialic Acid Storage Disease. Identifiers: Orphanet 3166, MedGen C0342853, MONDO:0010028, OMIM 269921.

Allele frequency attached by ClinVar (database versions not stated): ExAC 0.00001; gnomAD exomes 0.00001; gnomAD 0.00002; TOPMed 0.00002.
gnomAD v4.1: 16 of 1,613,906 alleles (0.00099%); highest among the groups gnomAD compares: African/African-American, 0.004%; no homozygotes.

Submissions (3):

Labcorp Genetics (formerly Invitae), Labcorp
Classification: Uncertain significance for Sialuria; GNE myopathy. Last evaluated: 2024-04-30. Review status: criteria provided, single submitter. Criteria: Invitae Variant Classification Sherloc (09022015). Collection method: clinical testing. Allele origin: germline.
Comment: This sequence change replaces serine, which is neutral and polar, with alanine, which is neutral and non-polar, at codon 592 of the GNE protein (p.Ser592Ala). This variant is present in population databases (rs776760528, gnomAD 0.007%). This variant has not been reported in the literature in individuals affected with GNE-related conditions. ClinVar contains an entry for this variant (Variation ID: 951729). Advanced modeling of protein sequence and biophysical properties (such as structural, functional, and spatial information, amino acid conservation, physicochemical variation, residue mobility, and thermodynamic stability) has been performed at Invitae for this missense variant, however the output from this modeling did not meet the statistical confidence thresholds required to predict the impact of this variant on GNE protein function. In summary, the available evidence is currently insufficient to determine the role of this variant in disease. Therefore, it has been classified as a Variant of Uncertain Significance.

Mayo Clinic Laboratories, Mayo Clinic
Classification: Uncertain significance. Last evaluated: 2024-02-15. Review status: criteria provided, single submitter. Criteria: ACMG Guidelines, 2015. Collection method: clinical testing. Allele origin: germline. Observed: 1 variant allele.
Comment: PM1_supporting, PM2_moderate

Natera, Inc.
Classification: Uncertain significance for Nonaka myopathy. Last evaluated: 2020-01-17. Review status: no assertion criteria provided. Collection method: clinical testing. Allele origin: germline. Not counted in ClinVar's aggregate classification.